The following is an entry in ClinVar:

NM_002474.3(MYH11):c.1301G>T (p.Arg434Leu)

Gene: MYH11 (myosin heavy chain 11; minus strand). Cytogenetic location: 16p13.11.
Variant type: single nucleotide variant.
Coding change: c.1301G>T on transcript NM_002474.3 (MANE Select); coding-DNA position 1301, G replaced by T.
Protein change: p.Arg434Leu; replaces arginine 434 with leucine.
Molecular consequence: missense variant.
Genome position (GRCh38, 1-based): chr16:15,759,676, C>A on the plus strand (G>T on the coding strand, the complement: MYH11 is on the minus strand). VCF-style: chr16-15759676-C-A. GRCh37 (hg19) VCF-style: chr16-15853533-C-A.
Other names: c.1322G>T, p.Arg441Leu (NM_001040113.2, NM_001040114.2); c.1301G>T, p.Arg434Leu (NM_022844.3); short protein forms R434L, R441L.
Identifiers: ClinVar variation 3400624 (VCV003400624.3).
Genomic context (GRCh38, chr16:15,759,676, plus strand): 5'-AAGGAAGCCCCTTGCCGATGGGTCTTGTCCAGGGCTTTGTTCACGCGGGTGAGTATCCAG[C>A]GGAAAAGGCGCTCATATGTTGCCTTGGCCAAAGCCTCTACAGCAAAGTCAGCCTGCAGAG-3'
Protein context (NP_002465.1, residues 424-444): LAKATYERLF[Arg434Leu]WILTRVNKAL

ClinVar aggregate classification (germline): Uncertain significance. Review status: criteria provided, multiple submitters, no conflicts (2 of 4 stars). 2 submissions from 2 submitters: Uncertain significance (2). Last evaluated 2024-11-03.

Conditions:
Aortic aneurysm, familial thoracic 4 (AAT4). Also called: AORTIC ANEURYSM/AORTIC DISSECTION AND PATENT DUCTUS ARTERIOSUS. Identifiers: MedGen C1851504, MONDO:0007568, OMIM 132900.
Familial thoracic aortic aneurysm and aortic dissection (TAAD). Also called: Thoracic aortic aneurysms and dissections. Identifiers: Orphanet 91387, MedGen C4707243, MONDO:0019625.

gnomAD v4.1: 14 of 1,614,060 alleles (0.00087%); highest among the groups gnomAD compares: Non-Finnish European, 0.0012%; no homozygotes.

Submissions (2):

Ambry Genetics
Classification: Uncertain significance for Familial thoracic aortic aneurysm and aortic dissection. Last evaluated: 2024-11-03. Review status: criteria provided, single submitter. Criteria: Ambry Variant Classification Scheme 2023. Collection method: clinical testing. Allele origin: germline.
Comment: The p.R434L variant (also known as c.1301G>T), located in coding exon 11 of the MYH11 gene, results from a G to T substitution at nucleotide position 1301. The arginine at codon 434 is replaced by leucine, an amino acid with dissimilar properties. This amino acid position is conserved. In addition, the in silico prediction for this alteration is inconclusive. Based on the available evidence, the clinical significance of this variant remains unclear.

Labcorp Genetics (formerly Invitae), Labcorp
Classification: Uncertain significance for Aortic aneurysm, familial thoracic 4. Last evaluated: 2024-08-20. Review status: criteria provided, single submitter. Criteria: Invitae Variant Classification Sherloc (09022015). Collection method: clinical testing. Allele origin: germline.
Comment: This sequence change replaces arginine, which is basic and polar, with leucine, which is neutral and non-polar, at codon 441 of the MYH11 protein (p.Arg441Leu). This variant is not present in population databases (gnomAD no frequency). This variant has not been reported in the literature in individuals affected with MYH11-related conditions. Invitae Evidence Modeling of protein sequence and biophysical properties (such as structural, functional, and spatial information, amino acid conservation, physicochemical variation, residue mobility, and thermodynamic stability) indicates that this missense variant is not expected to disrupt MYH11 protein function with a negative predictive value of 95%. In summary, the available evidence is currently insufficient to determine the role of this variant in disease. Therefore, it has been classified as a Variant of Uncertain Significance.